The following is an entry in ClinVar:

NC_000002.12:g.(?_50538233)_(50538656_?)del

Gene: NRXN1 (neurexin 1; minus strand). Cytogenetic location: 2p16.3.
Variant type: Deletion.
Identifiers: ClinVar variation 830505 (VCV000830505.1).

ClinVar aggregate classification (germline): Uncertain significance (1 of 4 stars; one submission).

Conditions:
Pitt-Hopkins-like syndrome 2 (PTHSL2). Identifiers: Orphanet 221150, Orphanet 600663, MedGen C3280479, MONDO:0013690, OMIM 614325.

Submission:

Labcorp Genetics (formerly Invitae), Labcorp
Classification: Uncertain significance for Pitt-Hopkins-like syndrome 2. Last evaluated: 2019-05-24. Review status: criteria provided, single submitter. Criteria: Invitae Variant Classification Sherloc (09022015). Collection method: clinical testing. Allele origin: germline.
Comment: This variant is an in-frame deletion of the genomic region encompassing exon 11 of the NRXN1 gene. It preserves the integrity of the reading frame. This variant has not been reported in the literature in individuals with NRXN1-related conditions. In summary, the available evidence is currently insufficient to determine the role of this variant in disease. Therefore, it has been classified as a Variant of Uncertain Significance.